The following is an entry in ClinVar:

ClinVar aggregate classification (germline): Benign/Likely benign. Review status: criteria provided, multiple submitters, no conflicts (2 of 4 stars). 2 submissions from 2 submitters: Benign (1); Likely benign (1). Last evaluated 2026-01-20.

Conditions:
Cortical dysplasia-focal epilepsy syndrome (PTHSL1). Also called: Pitt-Hopkins-like syndrome 1. Identifiers: Orphanet 163681, Orphanet 221150, MedGen C2750246, MONDO:0012400, OMIM 610042.

Allele frequency attached by ClinVar (database versions not stated): ExAC 0.00003; gnomAD 0.00004; TOPMed 0.00005; gnomAD exomes 0.00006; ESP Exome Variant Server 0.00008.
gnomAD v4.1: 228 of 1,613,962 alleles (0.014%); highest among the groups gnomAD compares: Non-Finnish European, 0.019%; no homozygotes.

Submissions (2):

Labcorp Genetics (formerly Invitae), Labcorp
Classification: Likely benign for Cortical dysplasia-focal epilepsy syndrome. Last evaluated: 2026-01-20. Review status: criteria provided, single submitter. Criteria: Invitae Variant Classification Sherloc (09022015). Collection method: clinical testing. Allele origin: germline.

GeneDx
Classification: Benign. Last evaluated: 2014-02-25. Review status: criteria provided, single submitter. Criteria: GeneDx Variant Classification (06012015). Collection method: clinical testing. Allele origin: germline. Affected: yes.
Comment: This variant is considered likely benign or benign based on one or more of the following criteria: it is a conservative change, it occurs at a poorly conserved position in the protein, it is predicted to be benign by multiple in silico algorithms, and/or has population frequency not consistent with disease.

NM_014141.6(CNTNAP2):c.3248-17T>A

Gene: CNTNAP2 (contactin associated protein 2; plus strand). Cytogenetic location: 7q36.1.
Variant type: single nucleotide variant.
Coding change: c.3248-17T>A on transcript NM_014141.6 (MANE Select); 17 bases into the intron before coding-DNA position 3248, T replaced by A.
Molecular consequence: intron variant.
Genome position (GRCh38, 1-based): chr7:148,229,629, T>A. VCF-style: chr7-148229629-T-A. GRCh37 (hg19) VCF-style: chr7-147926721-T-A.
Identifiers: ClinVar variation 136826 (VCV000136826.9), dbSNP rs199753492, ClinGen allele CA290185.
Genomic context (GRCh38, chr7:148,229,629, plus strand): 5'-GCAGGAATTGAGGGGATGTGACATTAAAATGAAATTTAGGGCAAACAAATTACTGAGCTT[T>A]CTTTTTTCTTCTATAGGAAGCTTACAGATTCGATACAACCTGGGTGGCACCCGAGAGCCA-3'